The following is an entry in ClinVar:

NM_000540.3(RYR1):c.8741A>T (p.Lys2914Met)

Gene: RYR1 (ryanodine receptor 1; plus strand). Cytogenetic location: 19q13.2.
Variant type: single nucleotide variant.
Coding change: c.8741A>T on transcript NM_000540.3 (MANE Select); coding-DNA position 8741, A replaced by T.
Protein change: p.Lys2914Met; replaces lysine 2914 with methionine.
Molecular consequence: missense variant.
Genome position (GRCh38, 1-based): chr19:38,506,877, A>T. VCF-style: chr19-38506877-A-T. GRCh37 (hg19) VCF-style: chr19-38997517-A-T.
Other names: c.8741A>T, p.Lys2914Met (NM_001042723.2); short protein forms K2914M.
Identifiers: ClinVar variation 3073396 (VCV003073396.1), dbSNP rs1483618556, ClinGen allele CA405680971.
Genomic context (GRCh38, chr19:38,506,877, plus strand): 5'-TTGCCTCCCCAGGCGGTGGGACCCACCCCCTGCTGGTCCCCTACGACACGCTCACGGCCA[A>T]GGAGAAGGCACGAGATCGAGAGAAGGCCCAGGAGCTACTGAAATTCCTGCAGATGAATGG-3'
Protein context (NP_000531.2, residues 2904-2924): LLVPYDTLTA[Lys2914Met]EKARDREKAQ

ClinVar aggregate classification (germline): Uncertain significance (1 of 4 stars; one submission).

Conditions:
Malignant hyperthermia, susceptibility to, 1 (MHS1). Also called: Anesthesia related hyperthermia; Malignant hyperpyrexia; Fulminating hyperpyrexia; Pharmacogenic myopathy; RYR1-Related Malignant Hyperthermia Susceptibility; Malignant hyperthermia suceptibility 1. Identifiers: Orphanet 423, MedGen C2930980, MONDO:0007783, OMIM 145600.

Allele frequency attached by ClinVar (database versions not stated): TOPMed below 0.00001.

Submission:

All of Us Research Program, National Institutes of Health
Classification: Uncertain significance for Malignant hyperthermia, susceptibility to, 1. Last evaluated: 2023-09-17. Review status: criteria provided, single submitter. Criteria: ACMG Guidelines, 2015. Collection method: clinical testing. Allele origin: germline. Inheritance: Autosomal dominant inheritance. Observed: 1 variant allele, 1 heterozygote.
Comment: This missense variant replaces lysine with methionine at codon 2914 of the RYR1 protein. Computational prediction suggests that this variant may have deleterious impact on protein structure and function (internally defined REVEL score threshold >= 0.7, PMID: 27666373). To our knowledge, functional studies have not been reported for this variant. This variant has not been reported in individuals affected with RYR1-related disorders in the literature. This variant has not been identified in the general population by the Genome Aggregation Database (gnomAD). The available evidence is insufficient to determine the role of this variant in disease conclusively. Therefore, this variant is classified as a Variant of Uncertain Significance.

This study involves interpretation of variants in research participants for the purpose of population health screening. Participant phenotype was not available at the time of variant classification. Additional details can be found in publication PMID: 35346344, PMCID: PMC8962531